The following is an entry in ClinVar:

NM_025114.4(CEP290):c.5285G>A (p.Arg1762His)

Gene: CEP290 (centrosomal protein 290; minus strand). Cytogenetic location: 12q21.32.
Variant type: single nucleotide variant.
Coding change: c.5285G>A on transcript NM_025114.4 (MANE Select); coding-DNA position 5285, G replaced by A.
Protein change: p.Arg1762His; replaces arginine 1762 with histidine.
Molecular consequence: missense variant.
Genome position (GRCh38, 1-based): chr12:88,079,171, C>T on the plus strand (G>A on the coding strand, the complement: CEP290 is on the minus strand). VCF-style: chr12-88079171-C-T. GRCh37 (hg19) VCF-style: chr12-88472948-C-T.
Other names: short protein forms R1762H.
Identifiers: ClinVar variation 881296 (VCV000881296.12), dbSNP rs761763799, ClinGen allele CA6711741.

ClinVar aggregate classification (germline): Uncertain significance. Review status: criteria provided, multiple submitters, no conflicts (2 of 4 stars). 10 submissions from 6 submitters: Uncertain significance (8). 2 of the submissions do not count toward it. Last evaluated 2025-10-22.

Conditions:
Meckel-Gruber syndrome. Also called: Dysencephalia splachnocystica; DYSENCEPHALIA SPLANCHNOCYSTICA; GRUBER SYNDROME. Identifiers: Orphanet 564, MedGen C0265215, MONDO:0018921.
Nephronophthisis. Also called: Juvenile Nephronophthisis. Identifiers: Orphanet 655, MedGen C0687120, MONDO:0019005, HP:0000090.
Joubert syndrome. Also called: JOUBERT-BOLTSHAUSER SYNDROME; Familial aplasia of the vermis. Identifiers: Orphanet 475, MedGen C5979921, MONDO:0018772.
Senior-Loken syndrome 6 (SLSN6). Identifiers: Orphanet 3156, MedGen C1857779, MONDO:0012433, OMIM 610189.
Joubert syndrome 5 (JBTS5). Identifiers: Orphanet 2318, MedGen C1857780, MONDO:0012432, OMIM 610188.
Leber congenital amaurosis 10 (LCA10). Identifiers: Orphanet 65, MedGen C1857821, MONDO:0012723, OMIM 611755.
Bardet-Biedl syndrome 14 (BBS14). Identifiers: Orphanet 110, MedGen C2673874, MONDO:0014442, OMIM 615991.
Meckel syndrome, type 4 (MKS4). Also called: MECKEL-GRUBER SYNDROME, TYPE 4. Identifiers: Orphanet 564, MedGen C1970161, MONDO:0012626, OMIM 611134.
Leber congenital amaurosis (LCA). Also called: Leber's amaurosis. Identifiers: Orphanet 65, MedGen C0339527, MeSH D057130, MONDO:0018998.
CEP290-related disorder. Also called: CEP290-related condition; CEP290-related disorders. Identifiers: MedGen CN239314.

Allele frequency attached by ClinVar (database versions not stated): ExAC 0.00001; gnomAD 0.00002; gnomAD exomes 0.00002 and 0.00003; TOPMed 0.00002.

Submissions (10):

PreventionGenetics, part of Exact Sciences
Classification: Uncertain significance for CEP290-related condition. Last evaluated: 2025-10-22. Review status: criteria provided, single submitter. Criteria: ACMG Guidelines, 2015. Collection method: clinical testing. Allele origin: germline.
Comment: The CEP290 c.5285G>A variant is predicted to result in the amino acid substitution p.Arg1762His. This variant was reported in an individual with retinitis pigmentosa (Table S2, Gao et al. 2019. PubMed ID: 31054281). This variant is reported in 0.0037% of alleles in individuals of European (Non-Finnish) descent in gnomAD. At this time, the clinical significance of this variant is uncertain due to the absence of conclusive functional and genetic evidence.

Labcorp Genetics (formerly Invitae), Labcorp
Classification: Uncertain significance for Joubert syndrome; Meckel-Gruber syndrome; Nephronophthisis. Last evaluated: 2022-09-12. Review status: criteria provided, single submitter. Criteria: Invitae Variant Classification Sherloc (09022015). Collection method: clinical testing. Allele origin: germline.
Comment: This sequence change replaces arginine, which is basic and polar, with histidine, which is basic and polar, at codon 1762 of the CEP290 protein (p.Arg1762His). This variant is present in population databases (rs761763799, gnomAD 0.004%). This variant has not been reported in the literature in individuals affected with CEP290-related conditions. ClinVar contains an entry for this variant (Variation ID: 881296). Advanced modeling of protein sequence and biophysical properties (such as structural, functional, and spatial information, amino acid conservation, physicochemical variation, residue mobility, and thermodynamic stability) performed at Invitae indicates that this missense variant is not expected to disrupt CEP290 protein function. In summary, the available evidence is currently insufficient to determine the role of this variant in disease. Therefore, it has been classified as a Variant of Uncertain Significance.

Fulgent Genetics
Classification: Uncertain significance for Joubert syndrome 5; Senior-Loken syndrome 6; Meckel syndrome, type 4; Leber congenital amaurosis 10; Bardet-Biedl syndrome 14. Last evaluated: 2022-05-18. Review status: criteria provided, single submitter. Criteria: ACMG Guidelines, 2015. Collection method: clinical testing. Allele origin: unknown.

Illumina Laboratory Services, Illumina
Classification: Uncertain significance for Meckel syndrome, type 4. Last evaluated: 2018-01-12. Review status: criteria provided, single submitter. Criteria: ICSL Variant Classification Criteria 13 December 2019. Collection method: clinical testing. Allele origin: germline.

Illumina Laboratory Services, Illumina
Classification: Uncertain significance for Joubert syndrome 5. Last evaluated: 2018-01-12. Review status: criteria provided, single submitter. Criteria: ICSL Variant Classification Criteria 13 December 2019. Collection method: clinical testing. Allele origin: germline.

Illumina Laboratory Services, Illumina
Classification: Uncertain significance for Senior-Loken syndrome 6. Last evaluated: 2018-01-12. Review status: criteria provided, single submitter. Criteria: ICSL Variant Classification Criteria 13 December 2019. Collection method: clinical testing. Allele origin: germline.

Illumina Laboratory Services, Illumina
Classification: Uncertain significance for Bardet-Biedl syndrome 14. Last evaluated: 2018-01-12. Review status: criteria provided, single submitter. Criteria: ICSL Variant Classification Criteria 13 December 2019. Collection method: clinical testing. Allele origin: germline.

Illumina Laboratory Services, Illumina
Classification: Uncertain significance for Leber congenital amaurosis 10. Last evaluated: 2018-01-12. Review status: criteria provided, single submitter. Criteria: ICSL Variant Classification Criteria 13 December 2019. Collection method: clinical testing. Allele origin: germline.

Genetic Services Laboratory, University of Chicago
Classification: Uncertain significance. Last evaluated: 2022-08-23. Review status: no assertion criteria provided. Collection method: clinical testing. Allele origin: germline. Affected: no. Not counted in ClinVar's aggregate classification.
Comment: DNA sequence analysis of the CEP290 gene demonstrated a sequence change, c.5285G>A, in exon 39 that results in an amino acid change, p.Arg1762His. This sequence change has been previously described in one individual with suspected retinitis pigmentosa (PMID: 31054281). This sequence change has been described in the gnomAD database with a frequency of 0.0017% in the overall population (dbSNP rs761763799). The p.Arg1762His change affects a moderately conserved amino acid residue. The p.Arg1762His substitution appears to be benign using several in-silico pathogenicity prediction tools (SIFT, PolyPhen2, Align GVGD, REVEL). Due to insufficient evidences and the lack of functional studies, the clinical significance of the p.Arg1762His change remains unknown at this time.

Natera, Inc.
Classification: Uncertain significance for Leber congenital amaurosis. Last evaluated: 2021-04-19. Review status: no assertion criteria provided. Collection method: clinical testing. Allele origin: germline. Not counted in ClinVar's aggregate classification.